The following is an entry in ClinVar:

NM_000214.3(JAG1):c.262G>T (p.Ala88Ser)

Gene: JAG1 (jagged canonical Notch ligand 1; minus strand). Cytogenetic location: 20p12.2.
Variant type: single nucleotide variant.
Coding change: c.262G>T on transcript NM_000214.3 (MANE Select); coding-DNA position 262, G replaced by T.
Protein change: p.Ala88Ser; replaces alanine 88 with serine.
Molecular consequence: missense variant.
Genome position (GRCh38, 1-based): chr20:10,672,826, C>A on the plus strand (G>T on the coding strand, the complement: JAG1 is on the minus strand). VCF-style: chr20-10672826-C-A. GRCh37 (hg19) VCF-style: chr20-10653474-C-A.
Other names: short protein forms A88S.
Identifiers: ClinVar variation 2052809 (VCV002052809.4), dbSNP rs1368255658, ClinGen allele CA408242991.
Genomic context (GRCh38, chr20:10,672,826, plus strand): 5'-TGAAGGTGTTGCCCCCGATGACAGGCGTGGACCCTGAGCCGAAGCTGCAGGGCCCCCCGG[C>A]CGTGACGCGGGACTGATACTCCTTGAGGCACACTTTGAAGTATGTGTCACACTCGTCGCG-3'
Protein context (NP_000205.1, residues 78-98): CLKEYQSRVT[Ala88Ser]GGPCSFGSGS

ClinVar aggregate classification (germline): Uncertain significance (1 of 4 stars; one submission).

Conditions:
Alagille syndrome due to a JAG1 point mutation. Also called: JAG1-Related Alagille Syndrome; HEPATIC DUCTULAR HYPOPLASIA, SYNDROMATIC; Alagille Syndrome 1. Identifiers: Orphanet 261619, Orphanet 52, MedGen C1956125, MONDO:0016862, OMIM 118450.

Allele frequency attached by ClinVar (database versions not stated): gnomAD 0.00002; TOPMed below 0.00001.
gnomAD v4.1: 3 of 1,613,116 alleles (0.00019%); highest among the groups gnomAD compares: African/African-American, 0.0027%; no homozygotes.

Submission:

Labcorp Genetics (formerly Invitae), Labcorp
Classification: Uncertain significance for Alagille syndrome due to a JAG1 point mutation. Last evaluated: 2023-03-18. Review status: criteria provided, single submitter. Criteria: Invitae Variant Classification Sherloc (09022015). Collection method: clinical testing. Allele origin: germline.
Comment: This sequence change replaces alanine, which is neutral and non-polar, with serine, which is neutral and polar, at codon 88 of the JAG1 protein (p.Ala88Ser). This variant is not present in population databases (gnomAD no frequency). This variant has not been reported in the literature in individuals affected with JAG1-related conditions. ClinVar contains an entry for this variant (Variation ID: 2052809). Advanced modeling of protein sequence and biophysical properties (such as structural, functional, and spatial information, amino acid conservation, physicochemical variation, residue mobility, and thermodynamic stability) performed at Invitae indicates that this missense variant is not expected to disrupt JAG1 protein function. In summary, the available evidence is currently insufficient to determine the role of this variant in disease. Therefore, it has been classified as a Variant of Uncertain Significance.